The following is an entry in ClinVar:

NM_000132.4(F8):c.498G>A (p.Met166Ile)

Gene: F8 (coagulation factor VIII; minus strand). Cytogenetic location: Xq28.
Variant type: single nucleotide variant.
Coding change: c.498G>A on transcript NM_000132.4 (MANE Select); coding-DNA position 498, G replaced by A.
Protein change: p.Met166Ile; replaces methionine 166 with isoleucine.
Molecular consequence: missense variant.
Genome position (GRCh38, 1-based): chrX:154,993,039, C>T on the plus strand (G>A on the coding strand, the complement: F8 is on the minus strand). VCF-style: chrX-154993039-C-T. GRCh37 (hg19) VCF-style: chrX-154221314-C-T.
Other names: short protein forms M166I.
Identifiers: ClinVar variation 5004526 (VCV005004526.1).
Genomic context (GRCh38, chrX:154,993,039, plus strand): 5'-GTCTTTTACCAGGTCCACATGAGAAAGATATGAGTAGGTAAGGCACAGTGGGTCAGAGGC[C>T]ATTGGACCATTCTCTTTCAGGACCTGCCAGACATATGTATGGCTTCCACCAGGGAAGACT-3'
Protein context (NP_000123.1, residues 156-176): VWQVLKENGP[Met166Ile]ASDPLCLTYS

ClinVar aggregate classification (germline): Uncertain significance (1 of 4 stars; one submission).

Conditions:
Hereditary factor VIII deficiency disease (HEMA). Also called: AUTOSOMAL HEMOPHILIA A; HEMOPHILIA, CLASSIC; Hemophilia A, congenital; HEM A; Factor 8 deficiency, congenital; Hemophilia A. Identifiers: Orphanet 98878, MedGen C0019069, MONDO:0010602, OMIM 306700.

Submission:

Myriad Genetics, Inc.
Classification: Uncertain significance for Hereditary factor VIII deficiency disease. Last evaluated: 2026-03-10. Review status: criteria provided, single submitter. Criteria: Myriad Autosomal Dominant, Autosomal Recessive and X-Linked Classification Criteria (2023). Collection method: clinical testing. Allele origin: unknown.
Comment: NM_000132.3(F8):c.498G>A(M166I) is a missense variant classified as a variant of uncertain significance in the context of hemophilia A. M166I has been observed in a case with relevant disease (PMID: 18691168). Relevant functional assessments of this variant are not available in the literature. M166I has not been observed in referenced population frequency databases. In summary, there is insufficient evidence to classify NM_000132.3(F8):c.498G>A(M166I) as pathogenic or benign. Please note: this variant was assessed in the context of healthy population screening.

Literature cited by the submitters: PubMed 18691168.